The following is an entry in ClinVar:

NM_000182.5(HADHA):c.761_764del (p.Lys254fs)

Gene: HADHA (hydroxyacyl-CoA dehydrogenase trifunctional multienzyme complex subunit alpha; minus strand). Cytogenetic location: 2p23.3.
Variant type: Deletion.
Coding change: c.761_764del on transcript NM_000182.5 (MANE Select); coding-DNA positions 761 to 764, 4 bases deleted (AGAA; older notation c.761_764delAGAA).
Protein change: p.Lys254fs; shifts the reading frame from lysine 254.
Molecular consequence: frameshift variant.
Genome position (GRCh38, 1-based): chr2:26,215,088-26,215,091, TTCT deleted on the plus strand (AGAA on the coding strand, the reverse complement: HADHA is on the minus strand); deleting any 4 consecutive bases within chr2:26,215,088-26,215,092 gives the same sequence; the c. name uses the placement nearest the transcript's 3' end. VCF-style (leftmost placement, unchanged base first): chr2-26215087-CTTCT-C. GRCh37 (hg19) VCF-style: chr2-26437956-CTTCT-C.
Other names: short protein forms K254fs.
Identifiers: ClinVar variation 1910397 (VCV001910397.6), dbSNP rs1445488113, ClinGen allele CA531378705.
Genomic context (GRCh38, chr2:26,215,087, plus strand): 5'-CTTTGTTCTTTAACAATGATACTCACTTTCCACCAATCCCTTGTCTCTCTTTGGAGAGAT[CTTCT>C]TATCAGCTAGTCCTTTGGCAAAAGTAATTGCAACTTCTTCTAGGTATTCTATTGTCCGTT-3'

ClinVar aggregate classification (germline): Pathogenic/Likely pathogenic. Review status: criteria provided, multiple submitters, no conflicts (2 of 4 stars). 2 submissions from 2 submitters: Pathogenic (1); Likely pathogenic (1). Last evaluated 2024-03-04.

Conditions:
Mitochondrial trifunctional protein deficiency. Identifiers: Orphanet 746, MedGen C1969443, MONDO:0012172.
Long chain 3-hydroxyacyl-CoA dehydrogenase deficiency. Also called: Deficiency of long-chain 3-hydroxyacyl-coenzyme A dehydrogenase; LCHAD Deficiency. Identifiers: Orphanet 5, MedGen C3711645, MONDO:0012173, OMIM 609016.
Mitochondrial trifunctional protein deficiency 1 (MTPD1). Identifiers: MedGen CN376812, MONDO:0958181, OMIM 609015.

Submissions (2):

Fulgent Genetics
Classification: Likely pathogenic for Mitochondrial trifunctional protein deficiency 1; Long chain 3-hydroxyacyl-CoA dehydrogenase deficiency. Last evaluated: 2024-03-04. Review status: criteria provided, single submitter. Criteria: ACMG Guidelines, 2015. Collection method: clinical testing. Allele origin: germline.

Labcorp Genetics (formerly Invitae), Labcorp
Classification: Pathogenic for Mitochondrial trifunctional protein deficiency; Long chain 3-hydroxyacyl-CoA dehydrogenase deficiency. Last evaluated: 2023-10-06. Review status: criteria provided, single submitter. Criteria: Invitae Variant Classification Sherloc (09022015). Collection method: clinical testing. Allele origin: germline.
Comment: This sequence change creates a premature translational stop signal (p.Lys254Argfs*14) in the HADHA gene. It is expected to result in an absent or disrupted protein product. Loss-of-function variants in HADHA are known to be pathogenic (PMID: 7738175, 21103935, 21549624, 22459206). This variant is present in population databases (no rsID available, gnomAD 0.002%). This premature translational stop signal has been observed in individual(s) with long-chain 3-hydroxyacyl-CoA dehydrogenase (PMID: 21103935). ClinVar contains an entry for this variant (Variation ID: 1910397). For these reasons, this variant has been classified as Pathogenic.

Literature cited by the submitters: PubMed 7738175 (cited by Labcorp Genetics (formerly Invitae), Labcorp); PubMed 21103935 (cited by Labcorp Genetics (formerly Invitae), Labcorp); PubMed 21549624 (cited by Labcorp Genetics (formerly Invitae), Labcorp); PubMed 22459206 (cited by Labcorp Genetics (formerly Invitae), Labcorp).